The following is an entry in ClinVar:

NM_032119.4(ADGRV1):c.3680A>C (p.Gln1227Pro)

Gene: ADGRV1 (adhesion G protein-coupled receptor V1; plus strand). Cytogenetic location: 5q14.3.
Variant type: single nucleotide variant.
Coding change: c.3680A>C on transcript NM_032119.4 (MANE Select); coding-DNA position 3680, A replaced by C.
Protein change: p.Gln1227Pro; replaces glutamine 1227 with proline.
Molecular consequence: missense variant. On other transcripts: non-coding transcript variant (1).
Genome position (GRCh38, 1-based): chr5:90,653,254, A>C. VCF-style: chr5-90653254-A-C. GRCh37 (hg19) VCF-style: chr5-89949071-A-C.
Other names: short protein forms Q1227P.
Identifiers: ClinVar variation 2013598 (VCV002013598.4), dbSNP rs2532084043, ClinGen allele CA360398367.

ClinVar aggregate classification (germline): Uncertain significance (1 of 4 stars; one submission).

Submission:

Labcorp Genetics (formerly Invitae), Labcorp
Classification: Uncertain significance. Last evaluated: 2022-07-03. Review status: criteria provided, single submitter. Criteria: Invitae Variant Classification Sherloc (09022015). Collection method: clinical testing. Allele origin: germline.
Comment: In summary, the available evidence is currently insufficient to determine the role of this variant in disease. Therefore, it has been classified as a Variant of Uncertain Significance. Algorithms developed to predict the effect of missense changes on protein structure and function (SIFT, PolyPhen-2, Align-GVGD) all suggest that this variant is likely to be tolerated. This variant has not been reported in the literature in individuals affected with ADGRV1-related conditions. This variant is not present in population databases (gnomAD no frequency). This sequence change replaces glutamine, which is neutral and polar, with proline, which is neutral and non-polar, at codon 1227 of the ADGRV1 protein (p.Gln1227Pro).